The following is an entry in ClinVar:

ClinVar aggregate classification (germline): Pathogenic. Review status: criteria provided, multiple submitters, no conflicts (2 of 4 stars). 5 submissions from 4 submitters: Pathogenic (3). 2 of the submissions do not count toward it. Last evaluated 2024-03-14.

Conditions:
CRB1-related disorder. Also called: CRB1-related condition; CRB1-related disorders.
Leber congenital amaurosis 8 (LCA8). Identifiers: Orphanet 65, MedGen C3151202, MONDO:0013453, OMIM 613835.
Retinitis pigmentosa 12 (RP12). Also called: RP WITH OR WITHOUT PRESERVED PARAARTERIOLE RETINAL PIGMENT EPITHELIUM; RETINITIS PIGMENTOSA WITH OR WITHOUT PARAARTERIOLAR PRESERVATION OF RETINAL PIGMENT EPITHELIUM; RP WITH OR WITHOUT PPRPE. Identifiers: Orphanet 791, MedGen C1838647, MONDO:0010818, OMIM 600105.
Autosomal recessive retinitis pigmentosa. Identifiers: MedGen C0339526.

Submissions (5):

Genomic Medicine Center of Excellence, King Faisal Specialist Hospital and Research Centre
Classification: Pathogenic for Retinitis pigmentosa-12. Last evaluated: 2024-03-14. Review status: criteria provided, single submitter. Criteria: ACMG Guidelines, 2015. Collection method: clinical testing. Allele origin: germline.

Labcorp Genetics (formerly Invitae), Labcorp
Classification: Pathogenic for Leber congenital amaurosis 8; Retinitis pigmentosa 12. Last evaluated: 2023-03-27. Review status: criteria provided, single submitter. Criteria: Invitae Variant Classification Sherloc (09022015). Collection method: clinical testing. Allele origin: germline.
Comment: For these reasons, this variant has been classified as Pathogenic. Advanced modeling of protein sequence and biophysical properties (such as structural, functional, and spatial information, amino acid conservation, physicochemical variation, residue mobility, and thermodynamic stability) performed at Invitae indicates that this missense variant is expected to disrupt CRB1 protein function. ClinVar contains an entry for this variant (Variation ID: 190990). This missense change has been observed in individuals with retinitis pigmentosa (PMID: 24265693). This variant is not present in population databases (gnomAD no frequency). This sequence change replaces cysteine, which is neutral and slightly polar, with arginine, which is basic and polar, at codon 394 of the CRB1 protein (p.Cys394Arg).

Blueprint Genetics
Classification: Pathogenic for CRB1-related disorders. Last evaluated: 2020-11-23. Review status: criteria provided, single submitter. Criteria: ACMG Guidelines, 2015. Collection method: clinical testing. Allele origin: germline. Affected: yes. Observed: 1 variant allele.

Faculty of Health Sciences, Beirut Arab University
Classification: Pathogenic for Autosomal recessive Retinitis Pigmentosa. Last evaluated: 2015-09-10. Review status: no assertion criteria provided. Collection method: literature only. Allele origin: germline. Affected: yes. Observed: 3 variant alleles. Not counted in ClinVar's aggregate classification.

Genomic Medicine Center of Excellence, King Faisal Specialist Hospital and Research Centre
Classification: Likely pathogenic. Review status: flagged submission. Criteria: ACMG Guidelines, 2015. Collection method: research. Allele origin: germline. Affected: yes. Not counted in ClinVar's aggregate classification.
ClinVar note: Reason: This record appears to be redundant with a more recent record from the same submitter.
ClinVar note: Notes: SCV000221359 appears to be redundant with SCV005038881.

Literature cited by the submitters: PubMed 24265693 (cited by Labcorp Genetics (formerly Invitae), Labcorp); PubMed 26355662 (cited by Faculty of Health Sciences, Beirut Arab University).

NM_201253.3(CRB1):c.1180T>C (p.Cys394Arg)

Gene: CRB1 (crumbs cell polarity complex component 1; plus strand). Cytogenetic location: 1q31.3.
Variant type: single nucleotide variant.
Coding change: c.1180T>C on transcript NM_201253.3 (MANE Select); coding-DNA position 1180, T replaced by C.
Protein change: p.Cys394Arg; replaces cysteine 394 with arginine.
Molecular consequence: missense variant. On other transcripts: non-coding transcript variant (2).
Genome position (GRCh38, 1-based): chr1:197,421,008, T>C. VCF-style: chr1-197421008-T-C. GRCh37 (hg19) VCF-style: chr1-197390138-T-C.
Other names: c.844T>C, p.Cys282Arg (NM_001193640.2); c.973T>C, p.Cys325Arg (NM_001257965.2); c.1180T>C, p.Cys394Arg (NM_001257966.2); short protein forms C394R, C325R, C282R.
Identifiers: ClinVar variation 190990 (VCV000190990.7), dbSNP rs786205450, ClinGen allele CA235768.